The following is an entry in ClinVar:

ClinVar aggregate classification (germline): Benign. Review status: criteria provided, multiple submitters, no conflicts (2 of 4 stars). 2 submissions from 2 submitters: Benign (2). Last evaluated 2018-06-14.

Allele frequency attached by ClinVar (database versions not stated): gnomAD exomes 0.06338; gnomAD 0.08854 and 0.08903; TOPMed 0.09269; 1000 Genomes Project 30x 0.12648; 1000 Genomes Project 0.12839.
gnomAD v4.1: 53,590 of 787,902 alleles (6.8%); highest among the groups gnomAD compares: East Asian, 22%; 2,954 homozygotes.

Submissions (2):

GeneDx
Classification: Benign. Last evaluated: 2018-06-14. Review status: criteria provided, single submitter. Criteria: GeneDx Variant Classification (06012015). Collection method: clinical testing. Allele origin: germline. Affected: yes.
Comment: This variant is considered likely benign or benign based on one or more of the following criteria: it is a conservative change, it occurs at a poorly conserved position in the protein, it is predicted to be benign by multiple in silico algorithms, and/or has population frequency not consistent with disease.

Breakthrough Genomics
Classification: Benign. Review status: criteria provided, single submitter. Criteria: ACMG Guidelines, 2015. Collection method: not provided. Allele origin: germline. Inheritance: Autosomal recessive inheritance. Affected: yes.

NM_016035.5(COQ4):c.626+110C>T

Gene: COQ4 (coenzyme Q4; plus strand). Cytogenetic location: 9q34.11.
Variant type: single nucleotide variant.
Coding change: c.626+110C>T on transcript NM_016035.5 (MANE Select); 110 bases into the intron after coding-DNA position 626, C replaced by T.
Molecular consequence: intron variant.
Genome position (GRCh38, 1-based): chr9:128,333,053, C>T. VCF-style: chr9-128333053-C-T. GRCh37 (hg19) VCF-style: chr9-131095332-C-T.
Other names: c.3-421C>T (NM_001305942.2).
Identifiers: ClinVar variation 676201 (VCV000676201.2), dbSNP rs2240954, ClinGen allele CA15606934.